The following is an entry in ClinVar:

NM_003128.3(SPTBN1):c.4386C>T (p.Thr1462=)

Gene: SPTBN1 (spectrin beta, non-erythrocytic 1; plus strand). Cytogenetic location: 2p16.2.
Variant type: single nucleotide variant.
Coding change: c.4386C>T on transcript NM_003128.3 (MANE Select); coding-DNA position 4386, C replaced by T.
Protein change: p.Thr1462=; no amino-acid change (threonine 1462 retained).
Molecular consequence: synonymous variant.
Genome position (GRCh38, 1-based): chr2:54,645,345, C>T. VCF-style: chr2-54645345-C-T. GRCh37 (hg19) VCF-style: chr2-54872482-C-T.
Other names: c.4347C>T, p.Thr1449= (NM_178313.3).
Identifiers: ClinVar variation 3351506 (VCV003351506.6).

ClinVar aggregate classification (germline): Likely benign. Review status: criteria provided, single submitter (1 of 4 stars). 2 submissions from 2 submitters: Likely benign (1). 1 of the submissions does not count toward it. Last evaluated 2026-06-01.

Conditions:
SPTBN1-related disorder. Also called: SPTBN1-related condition.

gnomAD v4.1: 1,970 of 1,614,186 alleles (0.12%); highest among the groups gnomAD compares: Admixed American, 0.44%; 4 homozygotes.

Submissions (2):

CeGaT Center for Human Genetics Tuebingen
Classification: Likely benign. Last evaluated: 2026-06-01. Review status: criteria provided, single submitter. Criteria: CeGaT Center For Human Genetics Tuebingen Variant Classification Criteria Version 2. Collection method: clinical testing. Allele origin: germline. Affected: yes. Observed: 2 variant alleles.
Comment: SPTBN1: BP4, BP7, BS1

PreventionGenetics, part of Exact Sciences
Classification: Benign for SPTBN1-related condition. Last evaluated: 2024-07-23. Review status: no assertion criteria provided. Collection method: clinical testing. Allele origin: germline. Not counted in ClinVar's aggregate classification.
Comment: This variant is classified as benign based on ACMG/AMP sequence variant interpretation guidelines (Richards et al. 2015 PMID: 25741868, with internal and published modifications).